The following is an entry in ClinVar:

ClinVar aggregate classification (germline): Uncertain significance (1 of 4 stars; one submission).

Submission:

GeneDx
Classification: Uncertain significance. Last evaluated: 2025-01-08. Review status: criteria provided, single submitter. Criteria: GeneDx Variant Classification Process June 2021. Collection method: clinical testing. Allele origin: germline. Affected: yes.
Comment: Not observed at significant frequency in large population cohorts (gnomAD); In silico analysis supports that this missense variant has a deleterious effect on protein structure/function; Has not been previously published as pathogenic or benign to our knowledge

NM_000276.4(OCRL):c.2600T>G (p.Leu867Arg)

Gene: OCRL (OCRL inositol polyphosphate-5-phosphatase; plus strand). Cytogenetic location: Xq26.1.
Variant type: single nucleotide variant.
Coding change: c.2600T>G on transcript NM_000276.4 (MANE Select); coding-DNA position 2600, T replaced by G.
Protein change: p.Leu867Arg; replaces leucine 867 with arginine.
Molecular consequence: missense variant.
Genome position (GRCh38, 1-based): chrX:129,590,164, T>G. VCF-style: chrX-129590164-T-G. GRCh37 (hg19) VCF-style: chrX-128724141-T-G.
Other names: c.2603T>G, p.Leu868Arg (NM_001318784.2); c.2576T>G, p.Leu859Arg (NM_001587.4); short protein forms L859R, L867R, L868R.
Identifiers: ClinVar variation 4056946 (VCV004056946.1).